The following is an entry in ClinVar:

ClinVar aggregate classification (germline): Pathogenic (1 of 4 stars; one submission).

Conditions:
Wiedemann-Steiner syndrome (WDSTS). Also called: Growth deficiency and mental retardation with facial dysmorphism. Identifiers: Orphanet 319182, MedGen C1854630, MONDO:0011518, OMIM 605130.

Submission:

Victorian Clinical Genetics Services, Murdoch Childrens Research Institute
Classification: Pathogenic for Wiedemann-Steiner syndrome. Last evaluated: 2024-09-23. Review status: criteria provided, single submitter. Criteria: ACMG Guidelines, 2015. Collection method: clinical testing. Allele origin: germline. Inheritance: Autosomal dominant inheritance. Affected: yes.
Comment: Based on the classification scheme VCGS_Germline_v1.3.4, this variant is classified as Pathogenic. Following criteria are met: 0102 - Loss of function is a known mechanism of disease in this gene and is associated with Wiedemann-Steiner syndrome (MIM#605130). (I) 0107 - This gene is associated with autosomal dominant disease. (I) 0201 - Variant is predicted to cause nonsense-mediated decay (NMD) and loss of protein (premature termination codon is located at least 54 nucleotides upstream of the final exon-exon junction). (SP) 0251 - This variant is heterozygous. (I) 0301 - Variant is absent from gnomAD (both v2 and v3). (SP) 0701 - Many other NMD-predicted variants comparable to the one identified in this case have very strong previous evidence for pathogenicity (DECIPHER). (SP) 0807 - This variant has no previous evidence of pathogenicity. (I) 0905 - No published segregation evidence has been identified for this variant. (I) 1007 - No published functional evidence has been identified for this variant. (SP) Legend: (SP) - Supporting pathogenic, (I) - Information, (SB) - Supporting benign

NM_001197104.2(KMT2A):c.4575G>A (p.Trp1525Ter)

Gene: KMT2A (lysine methyltransferase 2A; plus strand). Cytogenetic location: 11q23.3.
Variant type: single nucleotide variant.
Coding change: c.4575G>A on transcript NM_001197104.2 (MANE Select); coding-DNA position 4575, G replaced by A.
Protein change: p.Trp1525Ter; replaces tryptophan 1525 with a stop codon.
Molecular consequence: nonsense.
Genome position (GRCh38, 1-based): chr11:118,489,887, G>A. VCF-style: chr11-118489887-G-A. GRCh37 (hg19) VCF-style: chr11-118360602-G-A.
Other names: c.4674G>A, p.Trp1558Ter (NM_001412597.1); c.4575G>A, p.Trp1525Ter (NM_005933.4); short protein forms W1558*, W1525*.
Identifiers: ClinVar variation 3255014 (VCV003255014.2), dbSNP rs2496910348.